The following is an entry in ClinVar:

NM_030962.4(SBF2):c.5324G>A (p.Arg1775His)

Genes: SBF2 (SET binding factor 2; minus strand), SBF2-AS1 (SBF2 antisense RNA 1; plus strand), LOC105369149 (uncharacterized LOC105369149; plus strand). Cytogenetic location: 11p15.4.
Variant type: single nucleotide variant.
Coding change: c.5324G>A on transcript NM_030962.4 (MANE Select); coding-DNA position 5324, G replaced by A.
Protein change: p.Arg1775His; replaces arginine 1775 with histidine.
Molecular consequence: missense variant.
Genome position (GRCh38, 1-based): chr11:9,781,634, C>T on the plus strand (G>A on the coding strand, the complement: SBF2 is on the minus strand). VCF-style: chr11-9781634-C-T. GRCh37 (hg19) VCF-style: chr11-9803181-C-T.
Other names: c.5420G>A, p.Arg1807His (NM_001386339.1); c.5195G>A, p.Arg1732His (NM_001386342.1); short protein forms R1775H, R1732H, R1807H.
Identifiers: ClinVar variation 664980 (VCV000664980.11), dbSNP rs574665066, ClinGen allele CA5880725.

ClinVar aggregate classification (germline): Uncertain significance. Review status: criteria provided, multiple submitters, no conflicts (2 of 4 stars). 2 submissions from 2 submitters: Uncertain significance (2). Last evaluated 2025-10-25.

Conditions:
Inborn genetic diseases. Identifiers: MedGen C0950123, MeSH D030342.
Charcot-Marie-Tooth disease type 4. Also called: Charcot-Marie-Tooth disease, type IV; Charcot-Marie-Tooth, Type 4. Identifiers: Orphanet 64749, MedGen C4082197, MONDO:0018995.

Allele frequency attached by ClinVar (database versions not stated): ExAC 0.00001; gnomAD 0.00001; gnomAD exomes 0.00001; TOPMed 0.00001; 1000 Genomes Project 30x 0.00016; 1000 Genomes Project 0.00020.
gnomAD v4.1: 21 of 1,614,094 alleles (0.0013%); highest among the groups gnomAD compares: East Asian, 0.0022%; no homozygotes.

Submissions (2):

Labcorp Genetics (formerly Invitae), Labcorp
Classification: Uncertain significance for Charcot-Marie-Tooth disease type 4. Last evaluated: 2025-10-25. Review status: criteria provided, single submitter. Criteria: Invitae Variant Classification Sherloc (09022015). Collection method: clinical testing. Allele origin: germline.
Comment: This sequence change replaces arginine, which is basic and polar, with histidine, which is basic and polar, at codon 1775 of the SBF2 protein (p.Arg1775His). This variant is present in population databases (rs574665066, gnomAD 0.0009%). This variant has not been reported in the literature in individuals affected with SBF2-related conditions. ClinVar contains an entry for this variant (Variation ID: 664980). Invitae Evidence Modeling of protein sequence and biophysical properties (such as structural, functional, and spatial information, amino acid conservation, physicochemical variation, residue mobility, and thermodynamic stability) indicates that this missense variant is expected to disrupt SBF2 protein function with a positive predictive value of 80%. In summary, the available evidence is currently insufficient to determine the role of this variant in disease. Therefore, it has been classified as a Variant of Uncertain Significance.

Ambry Genetics
Classification: Uncertain significance for Inborn genetic diseases. Last evaluated: 2025-04-11. Review status: criteria provided, single submitter. Criteria: Ambry Variant Classification Scheme 2023. Collection method: clinical testing. Allele origin: germline.